The following is an entry in ClinVar:

ClinVar aggregate classification (germline): Conflicting classifications of pathogenicity. Review status: criteria provided, conflicting classifications (1 of 4 stars). 2 submissions from 2 submitters: Uncertain significance (1); Likely benign (1). Last evaluated 2024-09-19.

Conditions:
Inborn genetic diseases. Identifiers: MedGen C0950123, MeSH D030342.

Submissions (2):

GeneDx
Classification: Uncertain significance. Last evaluated: 2024-09-19. Review status: criteria provided, single submitter. Criteria: GeneDx Variant Classification Process June 2021. Collection method: clinical testing. Allele origin: germline. Affected: yes.
Comment: In silico analysis indicates that this missense variant does not alter protein structure/function; Has not been previously published as pathogenic or benign to our knowledge

Ambry Genetics
Classification: Likely benign for Inborn genetic diseases. Last evaluated: 2024-09-11. Review status: criteria provided, single submitter. Criteria: Ambry Variant Classification Scheme 2023. Collection method: clinical testing. Allele origin: germline.

NM_006918.5(SC5D):c.446G>A (p.Arg149His)

Gene: SC5D (sterol-C5-desaturase; plus strand). Cytogenetic location: 11q24.1.
Variant type: single nucleotide variant.
Coding change: c.446G>A on transcript NM_006918.5 (MANE Select); coding-DNA position 446, G replaced by A.
Protein change: p.Arg149His; replaces arginine 149 with histidine.
Molecular consequence: missense variant.
Genome position (GRCh38, 1-based): chr11:121,307,058, G>A. VCF-style: chr11-121307058-G-A. GRCh37 (hg19) VCF-style: chr11-121177767-G-A.
Other names: c.446G>A, p.Arg149His (NM_001024956.3); short protein forms R149H.
Identifiers: ClinVar variation 3437687 (VCV003437687.2).